The following is an entry in ClinVar:

NM_013382.7(POMT2):c.1891+220C>T

Gene: POMT2 (protein O-mannosyltransferase 2; minus strand). Cytogenetic location: 14q24.3.
Variant type: single nucleotide variant.
Coding change: c.1891+220C>T on transcript NM_013382.7 (MANE Select); 220 bases into the intron after coding-DNA position 1891, C replaced by T.
Molecular consequence: intron variant.
Genome position (GRCh38, 1-based): chr14:77,279,603, G>A on the plus strand (C>T on the coding strand, the complement: POMT2 is on the minus strand). VCF-style: chr14-77279603-G-A. GRCh37 (hg19) VCF-style: chr14-77745946-G-A.
Identifiers: ClinVar variation 3025197 (VCV003025197.22), dbSNP rs549021556, ClinGen allele CA7285628.

ClinVar aggregate classification (germline): Likely benign (1 of 4 stars; one submission).

Allele frequency attached by ClinVar (database versions not stated): gnomAD exomes 0.00027; ExAC 0.00028; 1000 Genomes Project 0.00120; 1000 Genomes Project 30x 0.00172; gnomAD 0.00194; TOPMed 0.00224.
gnomAD v4.1: 437 of 673,900 alleles (0.065%); highest among the groups gnomAD compares: African/African-American, 0.69%; 1 homozygote.

Submission:

CeGaT Center for Human Genetics Tuebingen
Classification: Likely benign. Last evaluated: 2023-12-01. Review status: criteria provided, single submitter. Criteria: CeGaT Center For Human Genetics Tuebingen Variant Classification Criteria Version 2. Collection method: clinical testing. Allele origin: germline. Affected: yes. Observed: 1 variant allele.
Comment: POMT2: BS2